The following is an entry in ClinVar:

ClinVar aggregate classification (germline): Pathogenic/Likely pathogenic. Review status: criteria provided, multiple submitters, no conflicts (2 of 4 stars). 7 submissions from 7 submitters: Pathogenic (3); Likely pathogenic (3). 1 of the submissions does not count toward it. Last evaluated 2023-12-29.

Conditions:
Hereditary hyperinsulinism.
Type 2 diabetes mellitus. Also called: Type II diabetes mellitus. Identifiers: MedGen C0011860, MeSH D003924, MONDO:0005148, OMIM 125853, HP:0005978.
Diabetes mellitus, transient neonatal, 2 (TNDM2). Identifiers: Orphanet 99886, MedGen C1835887, MONDO:0012480, OMIM 610374. Disease mechanism: loss of function.
Hyperinsulinemic hypoglycemia, familial, 1 (HHF1). Also called: NESIDIOBLASTOSIS OF PANCREAS; Persistent Hyperinsulinemia Hypoglycemia of Infancy; HYPERINSULINISM, FAMILIAL, WITH PANCREATIC NESIDIOBLASTOSIS; HYPOGLYCEMIA, HYPERINSULINEMIC, OF INFANCY; Persistent hyperinsulinemic hypoglycemia of infancy. Identifiers: Orphanet 276575, Orphanet 276598, MedGen C2931832, MONDO:0009734, OMIM 256450.
Leucine-induced hypoglycemia (LIH). Also called: LEUCINE-SENSITIVE HYPOGLYCEMIA OF INFANCY. Identifiers: MedGen C0271714, MONDO:0009415, OMIM 240800.
Diabetes mellitus, permanent neonatal 3. Also called: ABCC8-Related Permanent Neonatal Diabetes Mellitus. Identifiers: MedGen C5394303, MONDO:0030088, OMIM 618857.

Allele frequency attached by ClinVar (database versions not stated): gnomAD exomes below 0.00001 and 0.00001; TOPMed below 0.00001; ExAC 0.00001.
gnomAD v4.1: 6 of 1,614,112 alleles (0.00037%); highest among the groups gnomAD compares: South Asian, 0.0011%; no homozygotes.

Submissions (7):

Labcorp Genetics (formerly Invitae), Labcorp
Classification: Pathogenic. Last evaluated: 2023-12-29. Review status: criteria provided, single submitter. Criteria: Invitae Variant Classification Sherloc (09022015). Collection method: clinical testing. Allele origin: germline.
Comment: This sequence change replaces glutamic acid, which is acidic and polar, with lysine, which is basic and polar, at codon 128 of the ABCC8 protein (p.Glu128Lys). This variant is present in population databases (rs781617345, gnomAD 0.003%). This missense change has been observed in individual(s) with autosomal recessive diffuse or focal hyperinsulinism (PMID: 20943781, 23275527, 25201519, 28663158, 30352420). In at least one individual the data is consistent with being in trans (on the opposite chromosome) from a pathogenic variant. ClinVar contains an entry for this variant (Variation ID: 853822). Advanced modeling of protein sequence and biophysical properties (such as structural, functional, and spatial information, amino acid conservation, physicochemical variation, residue mobility, and thermodynamic stability) performed at Invitae indicates that this missense variant is expected to disrupt ABCC8 protein function with a positive predictive value of 80%. Experimental studies have shown that this missense change affects ABCC8 function (PMID: 17575084, 19151370, 19933268, 22802363). For these reasons, this variant has been classified as Pathogenic.

Baylor Genetics
Classification: Pathogenic for Type 2 diabetes mellitus. Last evaluated: 2023-11-19. Review status: criteria provided, single submitter. Criteria: ACMG Guidelines, 2015. Collection method: clinical testing. Allele origin: unknown.

GeneDx
Classification: Likely pathogenic. Last evaluated: 2023-10-09. Review status: criteria provided, single submitter. Criteria: GeneDx Variant Classification Process June 2021. Collection method: clinical testing. Allele origin: germline. Affected: yes.
Comment: Published functional assays suggest that cell surface expression of E128K is reduced due to retention in the endoplasmic reticulum, indicating channel trafficking defects, which may be partially rescued by sulfonylureas (Yan et al., 2007; Pratt et al., 2009; Hosy et al., 2010); Not observed at significant frequency in large population cohorts (gnomAD); In silico analysis supports that this missense variant has a deleterious effect on protein structure/function; This variant is associated with the following publications: (PMID: 19151370, 19933268, 30352420, 17575084, 25201519, 23430910, 24937539, 20943781, 28663158, 34566892)

Broad Center for Mendelian Genomics, Broad Institute of MIT and Harvard
Classification: Likely pathogenic for Hyperinsulinemic hypoglycemia, familial, 1. Last evaluated: 2023-08-16. Review status: criteria provided, single submitter. Criteria: ACMG Guidelines, 2015. Collection method: curation. Allele origin: germline. Inheritance: Autosomal recessive inheritance.
Comment: The p.Glu128Lys variant in ABCC8 has been previously reported in at least 5 individuals with hyperinsulinemic hypoglycemia (PMID: 17575084, 19151370, 20943781, 23430910, 23275527, 25201519, 27334808), and has been seen in 0.003% (1/30612) of South Asian chromosomes by the Genome Aggregation Database (gnomAD; dbSNP: rs781617345). Although this variant has been seen in the general population in a heterozygous state, its frequency is low enough to be consistent with a recessive carrier frequency. This variant has also been reported in ClinVar (Variation ID: 853822) and has been interpreted as likely pathogenic/pathogenic by Counsyl, Invitae, Natera Inc, and Fulgent Genetics. Of the 5 affected individuals, 2 were compound heterozygotes that carried a pathogenic variant in trans and 2 were homozygotes, which increases the likelihood that the p.Glu128Lys variant is pathogenic ( PMID: 17575084, 19151370, 20943781, 23430910, 25201519). In vitro functional studies provide some evidence that the p.Glu128Lys variant may slightly impact protein function (PMID: 17575084). However, these types of assays may not accurately represent biological function. Computational prediction tools and conservation analyses suggest that this variant may impact the protein, though this information is not predictive enough to determine pathogenicity. In summary, although additional studies are required to fully establish its clinical significance, this variant is likely pathogenic for autosomal recessive hyperinsulinemic hypoglycemia. ACMG/AMP Criteria applied: PM3_strong, PP3, PM2_supporting, PS3_supporting (Richards 2015).

Fulgent Genetics
Classification: Pathogenic for Type 2 diabetes mellitus; Leucine-induced hypoglycemia; Hyperinsulinemic hypoglycemia, familial, 1; Diabetes mellitus, transient neonatal, 2; Diabetes mellitus, permanent neonatal 3. Last evaluated: 2021-11-02. Review status: criteria provided, single submitter. Criteria: ACMG Guidelines, 2015. Collection method: clinical testing. Allele origin: unknown.

Juno Genomics, Hangzhou Juno Genomics, Inc
Classification: Likely pathogenic for Type 2 diabetes mellitus; Diabetes mellitus, permanent neonatal 3; Diabetes mellitus, transient neonatal, 2; Hyperinsulinemic hypoglycemia, familial, 1; Leucine-induced hypoglycemia. Review status: criteria provided, single submitter. Criteria: ACMG Guidelines, 2015. Collection method: clinical testing. Allele origin: germline.
Comment: Absent from controls (or at extremely low frequency if recessive) in Genome Aggregation Database.;Multiple lines of computational evidence support a deleterious effect on the gene or gene product.;For recessive disorders, detected in trans with a pathogenic variant.;Patient's phenotype or family history is highly specific for a disease with a single genetic etiology.

Natera, Inc.
Classification: Pathogenic for Hereditary hyperinsulinism. Last evaluated: 2021-01-15. Review status: no assertion criteria provided. Collection method: clinical testing. Allele origin: germline. Not counted in ClinVar's aggregate classification.

Literature cited by the submitters: PubMed 20943781 (cited by Labcorp Genetics (formerly Invitae), Labcorp); PubMed 23275527 (cited by Labcorp Genetics (formerly Invitae), Labcorp); PubMed 25201519 (cited by Labcorp Genetics (formerly Invitae), Labcorp); PubMed 28663158 (cited by Labcorp Genetics (formerly Invitae), Labcorp); PubMed 30352420 (cited by Labcorp Genetics (formerly Invitae), Labcorp); PubMed 17575084 (cited by Labcorp Genetics (formerly Invitae), Labcorp); PubMed 19151370 (cited by Labcorp Genetics (formerly Invitae), Labcorp); PubMed 19933268 (cited by Labcorp Genetics (formerly Invitae), Labcorp); PubMed 22802363 (cited by Labcorp Genetics (formerly Invitae), Labcorp).

NM_000352.6(ABCC8):c.382G>A (p.Glu128Lys)

Gene: ABCC8 (ATP binding cassette subfamily C member 8; minus strand). Cytogenetic location: 11p15.1.
Variant type: single nucleotide variant.
Coding change: c.382G>A on transcript NM_000352.6 (MANE Select); coding-DNA position 382, G replaced by A.
Protein change: p.Glu128Lys; replaces glutamic acid 128 with lysine.
Molecular consequence: missense variant. On other transcripts: non-coding transcript variant (1).
Genome position (GRCh38, 1-based): chr11:17,470,131, C>T on the plus strand (G>A on the coding strand, the complement: ABCC8 is on the minus strand). VCF-style: chr11-17470131-C-T. GRCh37 (hg19) VCF-style: chr11-17491678-C-T.
Other names: NM_000352.6(ABCC8):c.382G>A; p.Glu128Lys; c.382G>A (NM_000352.3); c.382G>A, p.Glu128Lys (NM_001287174.3, NM_001351295.2, NM_001351296.2 and 1 more transcripts); short protein forms E128K.
Identifiers: ClinVar variation 853822 (VCV000853822.18), dbSNP rs781617345, ClinGen allele CA5903897.
Genomic context (GRCh38, chr11:17,470,131, plus strand): 5'-TACTGCCCCTCCCTCCTACACCTCACCTACCAATTAGCAGCTTGGGGAAGTTGGAAGTCT[C>T]GATGTTGTGATAGTAGACCACGGAGGTGACAGCAGCCATGAACGCCATCCCGGCTGGCAT-3'
Protein context (NP_000343.2, residues 118-138): VTSVVYYHNI[Glu128Lys]TSNFPKLLIA